The following is an entry in ClinVar:

NM_001145809.2(MYH14):c.6012A>T (p.Leu2004=)

Gene: MYH14 (myosin heavy chain 14; plus strand). Cytogenetic location: 19q13.33.
Variant type: single nucleotide variant.
Coding change: c.6012A>T on transcript NM_001145809.2 (MANE Select); coding-DNA position 6012, A replaced by T.
Protein change: p.Leu2004=; no amino-acid change (leucine 2004 retained).
Molecular consequence: synonymous variant.
Genome position (GRCh38, 1-based): chr19:50,309,691, A>T. VCF-style: chr19-50309691-A-T. GRCh37 (hg19) VCF-style: chr19-50812948-A-T.
Other names: p.Leu1963=; c.5913A>T, p.Leu1971= (NM_001077186.2); c.5889A>T, p.Leu1963= (NM_024729.4).
Identifiers: ClinVar variation 44078 (VCV000044078.20), dbSNP rs73932457, ClinGen allele CA133514.
Genomic context (GRCh38, chr19:50,309,691, plus strand): 5'-TCCCCACAGACGCGGCCCCCTCACCTTCACCACCCGCACGGTGCGCCAGGTCTTCCGACT[A>T]GAGGAGGGCGTGGCATCCGACGAGGAGGCAGAGGAAGCACAGCCTGGGTCTGGGCCATCC-3'
Protein context (NP_001139281.1, residues 1994-2014): TTRTVRQVFR[Leu2004=]EEGVASDEEA

ClinVar aggregate classification (germline): Benign. Review status: criteria provided, multiple submitters, no conflicts (2 of 4 stars). 7 submissions from 7 submitters: Benign (6). 1 of the submissions does not count toward it. Last evaluated 2025-12-22.

Conditions:
MYH14-related disorder. Also called: MYH14-related condition.
Autosomal dominant nonsyndromic hearing loss 4A. Also called: Deafness, autosomal dominant 4A. Identifiers: Orphanet 90635, MedGen C1833503, MONDO:0010915, OMIM 600652.

Allele frequency attached by ClinVar (database versions not stated): 1000 Genomes Project 30x 0.01171; ESP Exome Variant Server 0.01174; gnomAD exomes 0.00116 and 0.00273; ExAC 0.00444; 1000 Genomes Project 0.01118; gnomAD 0.01161 and 0.01253; TOPMed 0.01270.
gnomAD v4.1: 3,513 of 1,608,952 alleles (0.22%); highest among the groups gnomAD compares: African/African-American, 4.1%; 70 homozygotes.

Submissions (7):

Labcorp Genetics (formerly Invitae), Labcorp
Classification: Benign. Last evaluated: 2025-12-22. Review status: criteria provided, single submitter. Criteria: Invitae Variant Classification Sherloc (09022015). Collection method: clinical testing. Allele origin: germline.

Mayo Clinic Laboratories, Mayo Clinic
Classification: Benign. Last evaluated: 2020-03-24. Review status: criteria provided, single submitter. Criteria: ACMG Guidelines, 2015. Collection method: clinical testing. Allele origin: germline. Observed: 4 variant alleles.

GeneDx
Classification: Benign. Last evaluated: 2018-02-12. Review status: criteria provided, single submitter. Criteria: GeneDx Variant Classification (06012015). Collection method: clinical testing. Allele origin: germline. Affected: yes.
Comment: This variant is considered likely benign or benign based on one or more of the following criteria: it is a conservative change, it occurs at a poorly conserved position in the protein, it is predicted to be benign by multiple in silico algorithms, and/or has population frequency not consistent with disease.

Illumina Laboratory Services, Illumina
Classification: Benign for Autosomal dominant nonsyndromic hearing loss 4A. Last evaluated: 2018-01-13. Review status: criteria provided, single submitter. Criteria: ICSL Variant Classification Criteria 13 December 2019. Collection method: clinical testing. Allele origin: germline.
Comment: This variant was observed in the ICSL laboratory as part of a predisposition screen in an ostensibly healthy population. It had not been previously curated by ICSL or reported in the Human Gene Mutation Database (HGMD: prior to June 1st, 2018), and was therefore a candidate for classification through an automated scoring system. Utilizing variant allele frequency, disease prevalence and penetrance estimates, and inheritance mode, an automated score was calculated to assess if this variant is too frequent to cause the disease. Based on the score and internal cut-off values, a variant classified as benign is not then subjected to further curation. The score for this variant resulted in a classification of benign for this disease.

Laboratory for Molecular Medicine, Mass General Brigham Personalized Medicine
Classification: Benign. Last evaluated: 2012-04-30. Review status: criteria provided, single submitter. Criteria: LMM Criteria. Collection method: clinical testing. Allele origin: germline. Observed: 11 variant alleles.
Comment: Leu2004Leu in Exon 43 of MYH14: This variant is not expected to have clinical si gnificance because it does not alter an amino acid residue, is not located withi n the splice consensus sequence, and has been identified in 3.5% (115/3332) of A frican American chromosomes from a broad population by the NHLBI Exome Sequencin g Project (dbSNP rs73932457).

Breakthrough Genomics
Classification: Benign. Review status: criteria provided, single submitter. Criteria: ACMG Guidelines, 2015. Collection method: not provided. Allele origin: germline. Inheritance: Autosomal dominant inheritance. Affected: yes.

PreventionGenetics, part of Exact Sciences
Classification: Benign for MYH14-related condition. Last evaluated: 2019-09-23. Review status: no assertion criteria provided. Collection method: clinical testing. Allele origin: germline. Not counted in ClinVar's aggregate classification.
Comment: This variant is classified as benign based on ACMG/AMP sequence variant interpretation guidelines (Richards et al. 2015 PMID: 25741868, with internal and published modifications).